The following is an entry in ClinVar:

ClinVar aggregate classification (germline): Likely benign (1 of 4 stars; one submission).

Allele frequency attached by ClinVar (database versions not stated): 1000 Genomes Project 30x 0.00234; 1000 Genomes Project 0.00260; ExAC 0.00498; gnomAD 0.00527; TOPMed 0.00543; ESP Exome Variant Server 0.00576; gnomAD exomes 0.00603.
gnomAD v4.1: 9,696 of 1,613,728 alleles (0.6%); highest among the groups gnomAD compares: Middle Eastern, 1.1%; 41 homozygotes.

Submission:

CeGaT Center for Human Genetics Tuebingen
Classification: Likely benign. Last evaluated: 2023-05-01. Review status: criteria provided, single submitter. Criteria: CeGaT Center For Human Genetics Tuebingen Variant Classification Criteria Version 2. Collection method: clinical testing. Allele origin: germline. Affected: yes. Observed: 1 variant allele.
Comment: CAND2: BP4, BS2

NM_001162499.2(CAND2):c.992A>T (p.Glu331Val)

Gene: CAND2 (cullin associated and neddylation dissociated 2 (putative); plus strand). Cytogenetic location: 3p25.2.
Variant type: single nucleotide variant.
Coding change: c.992A>T on transcript NM_001162499.2 (MANE Select); coding-DNA position 992, A replaced by T.
Protein change: p.Glu331Val; replaces glutamic acid 331 with valine.
Molecular consequence: missense variant.
Genome position (GRCh38, 1-based): chr3:12,813,374, A>T. VCF-style: chr3-12813374-A-T. GRCh37 (hg19) VCF-style: chr3-12854873-A-T.
Other names: c.713A>T, p.Glu238Val (NM_012298.3); short protein forms E238V, E331V.
Identifiers: ClinVar variation 2653547 (VCV002653547.24), dbSNP rs138783925, ClinGen allele CA2260525.